The following is an entry in ClinVar:

ClinVar aggregate classification (germline): Uncertain significance. Review status: criteria provided, multiple submitters, no conflicts (2 of 4 stars). 2 submissions from 2 submitters: Uncertain significance (2). Last evaluated 2025-11-08.

Conditions:
Hereditary cancer-predisposing syndrome. Also called: Tumor predisposition; Neoplastic Syndromes, Hereditary; Hereditary Cancer Syndrome; Hereditary neoplastic syndrome. Identifiers: Orphanet 140162, MedGen C0027672, MeSH D009386, MONDO:0015356.
POLD1-related polyposis and colorectal cancer syndrome (CRCS10). Also called: Colorectal cancer 10; COLORECTAL CANCER, SUSCEPTIBILITY TO, ON CHROMOSOME 19q; Colorectal cancer, susceptibility to, 10. Identifiers: Orphanet 220460, MedGen C2675481, MONDO:0012953, OMIM 612591.

Submissions (2):

Ambry Genetics
Classification: Uncertain significance for Hereditary cancer-predisposing syndrome. Last evaluated: 2025-11-08. Review status: criteria provided, single submitter. Criteria: Ambry Variant Classification Scheme 2023. Collection method: clinical testing. Allele origin: germline.
Comment: The p.R1086L variant (also known as c.3257G>T), located in coding exon 26 of the POLD1 gene, results from a G to T substitution at nucleotide position 3257. The arginine at codon 1086 is replaced by leucine, an amino acid with dissimilar properties. This amino acid position is conserved. In addition, this alteration is predicted to be tolerated by in silico analysis. Since supporting evidence is limited at this time, the clinical significance of this alteration remains unclear.

Labcorp Genetics (formerly Invitae), Labcorp
Classification: Uncertain significance for POLD1-related polyposis and colorectal cancer syndrome. Last evaluated: 2025-05-14. Review status: criteria provided, single submitter. Criteria: Invitae Variant Classification Sherloc (09022015). Collection method: clinical testing. Allele origin: germline.
Comment: This sequence change replaces arginine, which is basic and polar, with leucine, which is neutral and non-polar, at codon 1086 of the POLD1 protein (p.Arg1086Leu). This variant is not present in population databases (gnomAD no frequency). This variant has not been reported in the literature in individuals affected with POLD1-related conditions. ClinVar contains an entry for this variant (Variation ID: 566771). Invitae Evidence Modeling of protein sequence and biophysical properties (such as structural, functional, and spatial information, amino acid conservation, physicochemical variation, residue mobility, and thermodynamic stability) indicates that this missense variant is not expected to disrupt POLD1 protein function with a negative predictive value of 80%. In summary, the available evidence is currently insufficient to determine the role of this variant in disease. Therefore, it has been classified as a Variant of Uncertain Significance.

NM_002691.4(POLD1):c.3257G>T (p.Arg1086Leu)

Gene: POLD1 (DNA polymerase delta 1, catalytic subunit; plus strand). Cytogenetic location: 19q13.33.
Variant type: single nucleotide variant.
Coding change: c.3257G>T on transcript NM_002691.4 (MANE Select); coding-DNA position 3257, G replaced by T.
Protein change: p.Arg1086Leu; replaces arginine 1086 with leucine.
Molecular consequence: missense variant. On other transcripts: non-coding transcript variant (1).
Genome position (GRCh38, 1-based): chr19:50,417,880, G>T. VCF-style: chr19-50417880-G-T. GRCh37 (hg19) VCF-style: chr19-50921137-G-T.
Other names: c.3257G>T, p.Arg1086Leu (NM_001256849.1); c.3335G>T, p.Arg1112Leu (NM_001308632.1); short protein forms R1086L, R1112L.
Identifiers: ClinVar variation 566771 (VCV000566771.12), dbSNP rs3219457, ClinGen allele CA406987780.
Genomic context (GRCh38, chr19:50,417,880, plus strand): 5'-CTGCCCCTGCCCCCACCCGCAGCCGGGACTGCCCCATCTTCTACATGCGCAAGAAGGTGC[G>T]GAAGGACCTGGAAGACCAGGAGCAGCTCCTGCGGCGCTTCGGACCCCCTGGACCTGAGGC-3'
Protein context (NP_002682.2, residues 1076-1096): CPIFYMRKKV[Arg1086Leu]KDLEDQEQLL